The following is an entry in ClinVar:

NM_004415.4(DSP):c.6062C>G (p.Ala2021Gly)

Gene: DSP (desmoplakin; plus strand). Cytogenetic location: 6p24.3.
Variant type: single nucleotide variant.
Coding change: c.6062C>G on transcript NM_004415.4 (MANE Select); coding-DNA position 6062, C replaced by G.
Protein change: p.Ala2021Gly; replaces alanine 2021 with glycine.
Molecular consequence: missense variant.
Genome position (GRCh38, 1-based): chr6:7,583,324, C>G. VCF-style: chr6-7583324-C-G. GRCh37 (hg19) VCF-style: chr6-7583557-C-G.
Other names: c.4265C>G, p.Ala1422Gly (NM_001008844.3); c.4733C>G, p.Ala1578Gly (NM_001319034.2); short protein forms A2021G, A1578G, A1422G.
Identifiers: ClinVar variation 228644 (VCV000228644.26), dbSNP rs760673242, ClinGen allele CA046754.

ClinVar aggregate classification (germline): Conflicting classifications of pathogenicity. Review status: criteria provided, conflicting classifications (1 of 4 stars). 6 submissions from 6 submitters: Uncertain significance (4); Likely benign (2). Last evaluated 2026-08-05.

Conditions:
Cardiovascular phenotype. Identifiers: MedGen CN230736.
Arrhythmogenic right ventricular dysplasia 8 (ARVD8). Also called: Arrhythmogenic Right Ventricular Dysplasia/Cardiomyopathy 8; ARRHYTHMOGENIC RIGHT VENTRICULAR DYSPLASIA, FAMILIAL, 8; ARRHYTHMOGENIC RIGHT VENTRICULAR CARDIOMYOPATHY 8. Identifiers: MedGen C1843896, MONDO:0011831, OMIM 607450.
Arrhythmogenic cardiomyopathy with wooly hair and keratoderma. Also called: Dilated cardiomyopathy with woolly hair and keratoderma; Arrhythmogenic cardiomyopathy with woolly hair and keratoderma; PALMOPLANTAR KERATODERMA WITH LEFT VENTRICULAR CARDIOMYOPATHY AND WOOLLY HAIR; Carvajal syndrome. Identifiers: Orphanet 65282, MedGen C1854063, MONDO:0011581, OMIM 605676.
Cardiomyopathy (CMYO). Also called: Cardiomyopathies. Identifiers: Orphanet 167848, MedGen C0878544, MONDO:0004994, HP:0001638. Inheritance: Various modes of inheritance.

Allele frequency attached by ClinVar (database versions not stated): gnomAD 0.00003.

Submissions (6):

GeneDx
Classification: Uncertain significance. Last evaluated: 2026-08-05. Review status: criteria provided, single submitter. Criteria: GeneDx Variant Classification Process June 2021. Collection method: clinical testing. Allele origin: germline.
Comment: Has not been previously published as pathogenic or benign to our knowledge; Not observed at significant frequency in large population cohorts (gnomAD); In silico analysis suggests that this missense variant does not alter protein structure/function

Labcorp Genetics (formerly Invitae), Labcorp
Classification: Likely benign for Arrhythmogenic cardiomyopathy with wooly hair and keratoderma; Arrhythmogenic right ventricular dysplasia 8. Last evaluated: 2025-07-23. Review status: criteria provided, single submitter. Criteria: Invitae Variant Classification Sherloc (09022015). Collection method: clinical testing. Allele origin: germline.

Color Diagnostics, LLC DBA Color Health
Classification: Likely benign for Cardiomyopathy. Last evaluated: 2025-04-14. Review status: criteria provided, single submitter. Criteria: ACMG Guidelines, 2015. Collection method: clinical testing. Allele origin: germline.

All of Us Research Program, National Institutes of Health
Classification: Uncertain significance for Arrhythmogenic cardiomyopathy with wooly hair and keratoderma. Last evaluated: 2023-12-13. Review status: criteria provided, single submitter. Criteria: ACMG Guidelines, 2015. Collection method: clinical testing. Allele origin: germline. Inheritance: Autosomal dominant inheritance. Observed: 8 variant alleles, 8 heterozygotes.
Comment: This missense variant replaces alanine with glycine at codon 2021 of the DSP protein. Computational prediction suggests that this variant may not impact protein structure and function (internally defined REVEL score threshold <= 0.5, PMID: 27666373). To our knowledge, functional studies have not been reported for this variant. This variant has not been reported in individuals affected with DSP-related disorders in the literature, but has been reported in one individual in a healthy control population (PMID: 31983221). This variant has been identified in 7/282288 chromosomes in the general population by the Genome Aggregation Database (gnomAD). The available evidence is insufficient to determine the role of this variant in disease conclusively. Therefore, this variant is classified as a Variant of Uncertain Significance.

This study involves interpretation of variants in research participants for the purpose of population health screening. Participant phenotype was not available at the time of variant classification. Additional details can be found in publication PMID: 35346344, PMCID: PMC8962531

Ambry Genetics
Classification: Uncertain significance for Cardiovascular phenotype. Last evaluated: 2023-05-09. Review status: criteria provided, single submitter. Criteria: Ambry Variant Classification Scheme 2023. Collection method: clinical testing. Allele origin: germline.
Comment: The p.A2021G variant (also known as c.6062C>G), located in coding exon 24 of the DSP gene, results from a C to G substitution at nucleotide position 6062. The alanine at codon 2021 is replaced by glycine, an amino acid with similar properties. This alteration has been reported in a control cohort (Mazzarotto F et al. Circulation, 2020 Feb;141:387-398). This amino acid position is not well conserved in available vertebrate species. In addition, this alteration is predicted to be tolerated by in silico analysis. Since supporting evidence is limited at this time, the clinical significance of this alteration remains unclear.

Laboratory for Molecular Medicine, Mass General Brigham Personalized Medicine
Classification: Uncertain significance. Last evaluated: 2015-04-16. Review status: criteria provided, single submitter. Criteria: LMM Criteria. Collection method: clinical testing. Allele origin: germline. Observed: 1 variant allele.
Comment: The p.Ala2021Gly variant in DSP has not been previously reported in individuals with cardiomyopathy, but been identified in 1/66550 European chromosomes by the Exome Aggregation Consortium (ExAC). Computation al prediction tools and conservation analysis suggest that this variant may not impact the protein, though this information is not predictive enough to rule out pathogenicity. In summary, the clinical significance of the p.Ala2021Gly varian t is uncertain.

Literature cited by the submitters: PubMed 31983221 (cited by All of Us Research Program, National Institutes of Health and Ambry Genetics).